The following is an entry in ClinVar:

NM_000257.4(MYH7):c.5306T>G (p.Leu1769Arg)

Genes: MYH7 (myosin heavy chain 7; minus strand), LOC126861897 (BRD4-independent group 4 enhancer GRCh37_chr14:23884455-23885654; plus strand). Cytogenetic location: 14q11.2.
Variant type: single nucleotide variant.
Coding change: c.5306T>G on transcript NM_000257.4 (MANE Select); coding-DNA position 5306, T replaced by G.
Protein change: p.Leu1769Arg; replaces leucine 1769 with arginine.
Molecular consequence: missense variant.
Genome position (GRCh38, 1-based): chr14:23,415,248, A>C on the plus strand (T>G on the coding strand, the complement: MYH7 is on the minus strand). VCF-style: chr14-23415248-A-C. GRCh37 (hg19) VCF-style: chr14-23884457-A-C.
Other names: c.5306T>G, p.Leu1769Arg (NM_001407004.1); short protein forms L1769R.
Identifiers: ClinVar variation 4801910 (VCV004801910.1).

ClinVar aggregate classification (germline): Uncertain significance (1 of 4 stars; one submission).

Conditions:
Hypertrophic cardiomyopathy. Also called: HYPERTROPHIC MYOCARDIOPATHY. Identifiers: Orphanet 217569, MedGen C0007194, MeSH D002312, MONDO:0005045, HP:0001639.

Submission:

Labcorp Genetics (formerly Invitae), Labcorp
Classification: Uncertain significance for Hypertrophic cardiomyopathy. Last evaluated: 2025-06-18. Review status: criteria provided, single submitter. Criteria: Invitae Variant Classification Sherloc (09022015). Collection method: clinical testing. Allele origin: germline.
Comment: This sequence change replaces leucine, which is neutral and non-polar, with arginine, which is basic and polar, at codon 1769 of the MYH7 protein (p.Leu1769Arg). This variant is not present in population databases (gnomAD no frequency). This variant has not been reported in the literature in individuals affected with MYH7-related conditions. Invitae Evidence Modeling of protein sequence and biophysical properties (such as structural, functional, and spatial information, amino acid conservation, physicochemical variation, residue mobility, and thermodynamic stability) indicates that this missense variant is expected to disrupt MYH7 protein function with a positive predictive value of 95%. In summary, the available evidence is currently insufficient to determine the role of this variant in disease. Therefore, it has been classified as a Variant of Uncertain Significance.